The following is an entry in ClinVar:

ClinVar aggregate classification (germline): Pathogenic. Review status: criteria provided, multiple submitters, no conflicts (2 of 4 stars). 3 submissions from 3 submitters: Pathogenic (3). Last evaluated 2023-08-17.

Conditions:
Hereditary nonpolyposis colorectal neoplasms. Identifiers: MedGen C0009405, MeSH D003123.
Hereditary cancer-predisposing syndrome. Also called: Neoplastic Syndromes, Hereditary; Hereditary Cancer Syndrome; Tumor predisposition; Hereditary neoplastic syndrome. Identifiers: Orphanet 140162, MedGen C0027672, MeSH D009386, MONDO:0015356.
Lynch syndrome 5 (LYNCH5). Also called: Colorectal cancer, hereditary nonpolyposis, type 5; Hereditary non-polyposis colorectal cancer, type 5. Identifiers: Orphanet 144, MedGen C1833477, MONDO:0013710, OMIM 614350. Disease mechanism: loss of function.

Submissions (3):

Myriad Genetics, Inc.
Classification: Pathogenic for Lynch syndrome 5. Last evaluated: 2023-08-17. Review status: criteria provided, single submitter. Criteria: Myriad Autosomal Dominant, Autosomal Recessive and X-Linked Classification Criteria (2023). Collection method: clinical testing. Allele origin: unknown.
Comment: This variant is considered pathogenic. This variant creates a termination codon and is predicted to result in premature protein truncation.

Ambry Genetics
Classification: Pathogenic for Hereditary cancer-predisposing syndrome. Last evaluated: 2022-08-31. Review status: criteria provided, single submitter. Criteria: Ambry Variant Classification Scheme 2023. Collection method: clinical testing. Allele origin: germline.
Comment: The p.E796* pathogenic mutation (also known as c.2386G>T), located in coding exon 4 of the MSH6 gene, results from a G to T substitution at nucleotide position 2386. This changes the amino acid from a glutamic acid to a stop codon within coding exon 4. This alteration is expected to result in loss of function by premature protein truncation or nonsense-mediated mRNA decay. As such, this alteration is interpreted as a disease-causing mutation.

Labcorp Genetics (formerly Invitae), Labcorp
Classification: Pathogenic for Hereditary nonpolyposis colorectal neoplasms. Last evaluated: 2020-01-31. Review status: criteria provided, single submitter. Criteria: Invitae Variant Classification Sherloc (09022015). Collection method: clinical testing. Allele origin: germline.
Comment: For these reasons, this variant has been classified as Pathogenic. Loss-of-function variants in MSH6 are known to be pathogenic (PMID: 18269114, 24362816). This variant has not been reported in the literature in individuals with MSH6-related conditions. ClinVar contains an entry for this variant (Variation ID: 573658). This variant is not present in population databases (ExAC no frequency). This sequence change creates a premature translational stop signal (p.Glu796*) in the MSH6 gene. It is expected to result in an absent or disrupted protein product.

Literature cited by the submitters: PubMed 18269114 (cited by Labcorp Genetics (formerly Invitae), Labcorp); PubMed 24362816 (cited by Labcorp Genetics (formerly Invitae), Labcorp).

NM_000179.3(MSH6):c.2386G>T (p.Glu796Ter)

Gene: MSH6 (mutS homolog 6; plus strand). Cytogenetic location: 2p16.3.
Variant type: single nucleotide variant.
Coding change: c.2386G>T on transcript NM_000179.3 (MANE Select); coding-DNA position 2386, G replaced by T.
Protein change: p.Glu796Ter; replaces glutamic acid 796 with a stop codon.
Molecular consequence: nonsense.
Genome position (GRCh38, 1-based): chr2:47,800,369, G>T. VCF-style: chr2-47800369-G-T. GRCh37 (hg19) VCF-style: chr2-48027508-G-T.
Other names: c.1996G>T, p.Glu666Ter (NM_001281492.2); c.1480G>T, p.Glu494Ter (NM_001281493.2, NM_001281494.2); short protein forms E796*, E666*, E494*.
Identifiers: ClinVar variation 573658 (VCV000573658.10), dbSNP rs1558665297, ClinGen allele CA346753798.